The following is an entry in ClinVar:

NM_002529.4(NTRK1):c.2013G>A (p.Met671Ile)

Gene: NTRK1 (neurotrophic receptor tyrosine kinase 1; plus strand). Cytogenetic location: 1q23.1.
Variant type: single nucleotide variant.
Coding change: c.2013G>A on transcript NM_002529.4 (MANE Select); coding-DNA position 2013, G replaced by A.
Protein change: p.Met671Ile; replaces methionine 671 with isoleucine.
Molecular consequence: missense variant.
Genome position (GRCh38, 1-based): chr1:156,879,329, G>A. VCF-style: chr1-156879329-G-A. GRCh37 (hg19) VCF-style: chr1-156849121-G-A.
Other names: c.1905G>A, p.Met635Ile (NM_001007792.1); c.1995G>A, p.Met665Ile (NM_001012331.2); short protein forms M635I, M665I, M671I.
Identifiers: ClinVar variation 1302708 (VCV001302708.4), dbSNP rs1236732726, ClinGen allele CA342940034.
Genomic context (GRCh38, chr1:156,879,329, plus strand): 5'-GGCCACACGCAACTGTCTAGTGGGCCAGGGACTGGTGGTCAAGATTGGTGATTTTGGCAT[G>A]AGCAGGGATATCTACAGCACCGACTATTACCGTGTAAGGGTCCTTTGTCCCCAACGCCTT-3'
Protein context (NP_002520.2, residues 661-681): GLVVKIGDFG[Met671Ile]SRDIYSTDYY

ClinVar aggregate classification (germline): Uncertain significance. Review status: criteria provided, multiple submitters, no conflicts (2 of 4 stars). 3 submissions from 3 submitters: Uncertain significance (2). 1 of the submissions does not count toward it. Last evaluated 2025-02-21.

Conditions:
Inborn genetic diseases. Identifiers: MedGen C0950123, MeSH D030342.
Hereditary insensitivity to pain with anhidrosis (CIPA). Also called: FAMILIAL DYSAUTONOMIA, TYPE II; INSENSITIVITY TO PAIN, CONGENITAL, WITH ANHIDROSIS; HSAN Type IV; NTRK1 Congenital Insensitivity to Pain with Anhidrosis; NEUROPATHY, CONGENITAL SENSORY, WITH ANHIDROSIS; hereditary sensory and autonomic neuropathy type 4. Identifiers: Orphanet 642, MedGen C0020074, MONDO:0009746, OMIM 256800.

Allele frequency attached by ClinVar (database versions not stated): gnomAD exomes 0.00001.
gnomAD v4.1: 3 of 1,610,800 alleles (0.00019%); highest among the groups gnomAD compares: East Asian, 0.0022%; no homozygotes.

Submissions (3):

Ambry Genetics
Classification: Uncertain significance for Inborn genetic diseases. Last evaluated: 2025-02-21. Review status: criteria provided, single submitter. Criteria: Ambry Variant Classification Scheme 2023. Collection method: clinical testing. Allele origin: germline.

GeneDx
Classification: Uncertain significance. Last evaluated: 2019-07-17. Review status: criteria provided, single submitter. Criteria: GeneDx Variant Classification Process June 2021. Collection method: clinical testing. Allele origin: germline. Affected: yes.
Comment: Not observed at a significant frequency in large population cohorts (Lek et al., 2016); In silico analysis, which includes protein predictors and evolutionary conservation, supports a deleterious effect; Has not been previously published as pathogenic or benign to our knowledge

Natera, Inc.
Classification: Uncertain significance for Hereditary insensitivity to pain with anhidrosis. Last evaluated: 2025-02-10. Review status: no assertion criteria provided. Collection method: clinical testing. Allele origin: germline. Not counted in ClinVar's aggregate classification.